The following is an entry in ClinVar:

ClinVar aggregate classification (germline): Pathogenic/Likely pathogenic. Review status: criteria provided, multiple submitters, no conflicts (2 of 4 stars). 2 submissions from 2 submitters: Pathogenic (1); Likely pathogenic (1). Last evaluated 2018-01-04.

Allele frequency attached by ClinVar (database versions not stated): gnomAD 0.00002; TOPMed 0.00003.
gnomAD v4.1: 3 of 1,614,088 alleles (0.00019%); highest among the groups gnomAD compares: Admixed American, 0.005%; no homozygotes.

Submissions (2):

GeneDx
Classification: Pathogenic. Last evaluated: 2018-01-04. Review status: criteria provided, single submitter. Criteria: GeneDx Variant Classification (06012015). Collection method: clinical testing. Allele origin: germline. Affected: yes.
Comment: The C64X pathogenic variant in the CLDN1 gene has not been reported previously as a pathogenic variant, nor as a benign variant, to our knowledge. This variant is predicted to cause loss of normal protein function either through protein truncation or nonsense-mediated mRNA decay. The C64X variant is not observed in large population cohorts (Lek et al., 2016). We interpret C64X as a pathogenic variant.

CeGaT Center for Human Genetics Tuebingen
Classification: Likely pathogenic. Last evaluated: 2016-08-01. Review status: criteria provided, single submitter. Criteria: CeGaT Center For Human Genetics Tuebingen Variant Classification Criteria Version 2. Collection method: clinical testing. Allele origin: germline. Affected: yes. Observed: 1 variant allele.

NM_021101.5(CLDN1):c.192C>A (p.Cys64Ter)

Genes: CLDN16 (claudin 16; plus strand), CLDN1 (claudin 1; minus strand). Cytogenetic location: 3q28.
Variant type: single nucleotide variant.
Coding change: c.192C>A on transcript NM_021101.5 (MANE Select); coding-DNA position 192, C replaced by A.
Protein change: p.Cys64Ter; replaces cysteine 64 with a stop codon.
Molecular consequence: nonsense.
Genome position (GRCh38, 1-based): chr3:190,322,015, G>T on the plus strand (C>A on the coding strand, the complement: CLDN1 is on the minus strand). VCF-style: chr3-190322015-G-T. GRCh37 (hg19) VCF-style: chr3-190039804-G-T.
Other names: short protein forms C64*.
Identifiers: ClinVar variation 489303 (VCV000489303.44), dbSNP rs752054405, ClinGen allele CA355757888.